The following is an entry in ClinVar:

NM_001379500.1(COL18A1):c.1456C>T (p.Pro486Ser)

Gene: COL18A1 (collagen type XVIII alpha 1 chain; plus strand). Cytogenetic location: 21q22.3.
Variant type: single nucleotide variant.
Coding change: c.1456C>T on transcript NM_001379500.1 (MANE Select); coding-DNA position 1456, C replaced by T.
Protein change: p.Pro486Ser; replaces proline 486 with serine.
Molecular consequence: missense variant.
Genome position (GRCh38, 1-based): chr21:45,480,703, C>T. VCF-style: chr21-45480703-C-T. GRCh37 (hg19) VCF-style: chr21-46900617-C-T.
Other names: c.1996C>T, p.Pro666Ser (NM_030582.4); c.2701C>T, p.Pro901Ser (NM_130444.3); short protein forms P486S, P666S, P901S.
Identifiers: ClinVar variation 1508717 (VCV001508717.6), dbSNP rs1485432928, ClinGen allele CA410517364.

ClinVar aggregate classification (germline): Uncertain significance (1 of 4 stars; one submission).

Allele frequency attached by ClinVar (database versions not stated): gnomAD exomes below 0.00001.
gnomAD v4.1: 2 of 1,610,916 alleles (0.00012%); highest among the groups gnomAD compares: Admixed American, 0.0017%; no homozygotes.

Submission:

Labcorp Genetics (formerly Invitae), Labcorp
Classification: Uncertain significance. Last evaluated: 2024-10-24. Review status: criteria provided, single submitter. Criteria: Invitae Variant Classification Sherloc (09022015). Collection method: clinical testing. Allele origin: germline.
Comment: This sequence change replaces proline with serine at codon 486 of the COL18A1 protein (p.Pro486Ser). There is a moderate physicochemical difference between proline and serine. This variant is present in population databases (no rsID available, gnomAD 0.003%). This variant has not been reported in the literature in individuals affected with COL18A1-related conditions. ClinVar contains an entry for this variant (Variation ID: 1508717). Experimental studies and prediction algorithms are not available or were not evaluated, and the functional significance of this variant is currently unknown. In summary, the available evidence is currently insufficient to determine the role of this variant in disease. Therefore, it has been classified as a Variant of Uncertain Significance.